The following is an entry in ClinVar:

NM_017999.5(RNF31):c.1447A>G (p.Lys483Glu)

Gene: RNF31 (ring finger protein 31; plus strand). Cytogenetic location: 14q12.
Variant type: single nucleotide variant.
Coding change: c.1447A>G on transcript NM_017999.5 (MANE Select); coding-DNA position 1447, A replaced by G.
Protein change: p.Lys483Glu; replaces lysine 483 with glutamic acid.
Molecular consequence: missense variant.
Genome position (GRCh38, 1-based): chr14:24,150,847, A>G. VCF-style: chr14-24150847-A-G. GRCh37 (hg19) VCF-style: chr14-24620056-A-G.
Other names: c.994A>G, p.Lys332Glu (NM_001310332.2); short protein forms K332E, K483E.
Identifiers: ClinVar variation 1347305 (VCV001347305.8), dbSNP rs758681145, ClinGen allele CA389295894.
Genomic context (GRCh38, chr14:24,150,847, plus strand): 5'-CGACGCCTTAGTGCCCCCCTGCCCAGTTCCTGTGGAGATCCTGAGAAGCAGCGCCAAGAC[A>G]AGATGCGGGAAGAAGGCCTCCAGCTAGTGAGCATGATCCGGGTAAGGACTGGGCCTGCGA-3'
Protein context (NP_060469.4, residues 473-493): CGDPEKQRQD[Lys483Glu]MREEGLQLVS

ClinVar aggregate classification (germline): Uncertain significance (1 of 4 stars; one submission).

gnomAD v4.1: 1 of 1,569,518 alleles (0.000064%); no homozygotes.

Submission:

Labcorp Genetics (formerly Invitae), Labcorp
Classification: Uncertain significance. Last evaluated: 2022-02-10. Review status: criteria provided, single submitter. Criteria: Invitae Variant Classification Sherloc (09022015). Collection method: clinical testing. Allele origin: germline.
Comment: In summary, the available evidence is currently insufficient to determine the role of this variant in disease. Therefore, it has been classified as a Variant of Uncertain Significance. Algorithms developed to predict the effect of missense changes on protein structure and function (SIFT, PolyPhen-2, Align-GVGD) all suggest that this variant is likely to be tolerated. This variant has not been reported in the literature in individuals affected with RNF31-related conditions. This variant is not present in population databases (gnomAD no frequency). This sequence change replaces lysine, which is basic and polar, with glutamic acid, which is acidic and polar, at codon 483 of the RNF31 protein (p.Lys483Glu).